The following is an entry in ClinVar:

NM_001290321.3(DMXL1):c.7212C>G (p.Ala2404=)

Gene: DMXL1 (Dmx like 1; plus strand). Cytogenetic location: 5q23.1.
Variant type: single nucleotide variant.
Coding change: c.7212C>G on transcript NM_001290321.3 (MANE Select); coding-DNA position 7212, C replaced by G.
Protein change: p.Ala2404=; no amino-acid change (alanine 2404 retained).
Molecular consequence: synonymous variant. On other transcripts: non-coding transcript variant (3).
Genome position (GRCh38, 1-based): chr5:119,189,784, C>G. VCF-style: chr5-119189784-C-G. GRCh37 (hg19) VCF-style: chr5-118525479-C-G.
Other names: c.7212C>G, p.Ala2404= (NM_001349239.2, NM_001349240.2, NM_001387933.1 and 1 more transcripts); c.7020C>G, p.Ala2340= (NM_001387934.1); c.6507C>G, p.Ala2169= (NM_001387937.1); c.6225C>G, p.Ala2075= (NM_001387938.1).
Identifiers: ClinVar variation 3041691 (VCV003041691.2), dbSNP rs139727247, ClinGen allele CA3380794.

ClinVar aggregate classification (germline): Likely benign (0 of 4 stars; one submission).

Conditions:
DMXL1-related disorder. Also called: DMXL1-related condition.

Allele frequency attached by ClinVar (database versions not stated): gnomAD 0.00062; gnomAD exomes 0.00071; ExAC 0.00082; ESP Exome Variant Server 0.00085; TOPMed 0.00085; 1000 Genomes Project 30x 0.00094; 1000 Genomes Project 0.00100.
gnomAD v4.1: 1,121 of 1,614,006 alleles (0.069%); highest among the groups gnomAD compares: Middle Eastern, 0.15%; no homozygotes.

Submission:

PreventionGenetics, part of Exact Sciences
Classification: Likely benign for DMXL1-related condition. Last evaluated: 2019-05-08. Review status: no assertion criteria provided. Collection method: clinical testing. Allele origin: germline.
Comment: This variant is classified as likely benign based on ACMG/AMP sequence variant interpretation guidelines (Richards et al. 2015 PMID: 25741868, with internal and published modifications).